The following is an entry in ClinVar:

NM_004360.5(CDH1):c.1048C>A (p.Leu350Ile)

Gene: CDH1 (cadherin 1; plus strand). Cytogenetic location: 16q22.1.
Variant type: single nucleotide variant.
Coding change: c.1048C>A on transcript NM_004360.5 (MANE Select); coding-DNA position 1048, C replaced by A.
Protein change: p.Leu350Ile; replaces leucine 350 with isoleucine.
Molecular consequence: missense variant. On other transcripts: 5 prime UTR variant (2).
Genome position (GRCh38, 1-based): chr16:68,812,174, C>A. VCF-style: chr16-68812174-C-A. GRCh37 (hg19) VCF-style: chr16-68846077-C-A.
Other names: c.1048C>A, p.Leu350Ile (NM_001317184.2); c.-568C>A (NM_001317185.2); c.-772C>A (NM_001317186.2); short protein forms L350I.
Identifiers: ClinVar variation 2118265 (VCV002118265.4), dbSNP rs1273267349, ClinGen allele CA396459992.

ClinVar aggregate classification (germline): Uncertain significance (1 of 4 stars; one submission).

Conditions:
Hereditary diffuse gastric adenocarcinoma (HDGC). Also called: DIFFUSE GASTRIC AND LOBULAR BREAST CANCER SYNDROME. Identifiers: Orphanet 26106, MedGen C1708349, MONDO:0007648, OMIM 137215.

Submission:

Labcorp Genetics (formerly Invitae), Labcorp
Classification: Uncertain significance for Hereditary diffuse gastric adenocarcinoma. Last evaluated: 2024-07-01. Review status: criteria provided, single submitter. Criteria: Invitae Variant Classification Sherloc (09022015). Collection method: clinical testing. Allele origin: germline.
Comment: This sequence change replaces leucine, which is neutral and non-polar, with isoleucine, which is neutral and non-polar, at codon 350 of the CDH1 protein (p.Leu350Ile). This variant is not present in population databases (gnomAD no frequency). This variant has not been reported in the literature in individuals affected with CDH1-related conditions. ClinVar contains an entry for this variant (Variation ID: 2118265). An algorithm developed to predict the effect of missense changes on protein structure and function (PolyPhen-2) suggests that this variant is likely to be disruptive. In summary, the available evidence is currently insufficient to determine the role of this variant in disease. Therefore, it has been classified as a Variant of Uncertain Significance.